The following is an entry in ClinVar:

NM_004385.5(VCAN):c.4598C>G (p.Ala1533Gly)

Genes: VCAN (versican; plus strand), VCAN-AS1 (VCAN antisense RNA 1; minus strand). Cytogenetic location: 5q14.3.
Variant type: single nucleotide variant.
Coding change: c.4598C>G on transcript NM_004385.5 (MANE Select); coding-DNA position 4598, C replaced by G.
Protein change: p.Ala1533Gly; replaces alanine 1533 with glycine.
Molecular consequence: missense variant. On other transcripts: intron variant (2).
Genome position (GRCh38, 1-based): chr5:83,537,601, C>G. VCF-style: chr5-83537601-C-G. GRCh37 (hg19) VCF-style: chr5-82833420-C-G.
Other names: c.4598C>G (NM_004385.4); c.1637C>G, p.Ala546Gly (NM_001164097.2); c.4004-7936C>G (NM_001164098.2); c.1043-7936C>G (NM_001126336.3); short protein forms A546G, A1533G.
Identifiers: ClinVar variation 2978360 (VCV002978360.4), dbSNP rs376039194, ClinGen allele CA3333196.
Genomic context (GRCh38, chr5:83,537,601, plus strand): 5'-GAACAGCCAAAAAAGGGGCAGAATCAGTCACAGAGAGAGATACTGAAGTTGGTCATCAGG[C>G]ACATGAACATACTGAACCTGTATCTCTGTTTCCTGAAGAGTCTTCAGGAGAGATTGCCAT-3'
Protein context (NP_004376.2, residues 1523-1543): TERDTEVGHQ[Ala1533Gly]HEHTEPVSLF

ClinVar aggregate classification (germline): Uncertain significance. Review status: criteria provided, multiple submitters, no conflicts (2 of 4 stars). 2 submissions from 2 submitters: Uncertain significance (2). Last evaluated 2025-05-15.

Conditions:
Inborn genetic diseases. Identifiers: MedGen C0950123, MeSH D030342.

Allele frequency attached by ClinVar (database versions not stated): ExAC 0.00001; gnomAD 0.00001; ESP Exome Variant Server 0.00008.
gnomAD v4.1: 3 of 1,613,672 alleles (0.00019%); highest among the groups gnomAD compares: Non-Finnish European, 0.00025%; no homozygotes.

Submissions (2):

Ambry Genetics
Classification: Uncertain significance for Inborn genetic diseases. Last evaluated: 2025-05-15. Review status: criteria provided, single submitter. Criteria: Ambry Variant Classification Scheme 2023. Collection method: clinical testing. Allele origin: germline.

Labcorp Genetics (formerly Invitae), Labcorp
Classification: Uncertain significance. Last evaluated: 2023-05-07. Review status: criteria provided, single submitter. Criteria: Invitae Variant Classification Sherloc (09022015). Collection method: clinical testing. Allele origin: germline.
Comment: This variant is present in population databases (rs376039194, gnomAD 0.002%). This sequence change replaces alanine, which is neutral and non-polar, with glycine, which is neutral and non-polar, at codon 1533 of the VCAN protein (p.Ala1533Gly). This variant has not been reported in the literature in individuals affected with VCAN-related conditions. An algorithm developed to predict the effect of missense changes on protein structure and function (PolyPhen-2) suggests that this variant is likely to be tolerated. In summary, the available evidence is currently insufficient to determine the role of this variant in disease. Therefore, it has been classified as a Variant of Uncertain Significance.